The following is an entry in ClinVar:

ClinVar aggregate classification (germline): Uncertain significance (1 of 4 stars; one submission).

Conditions:
Cardiac arrhythmia. Also called: Arrhythmia; Cardiac rhythm disease. Identifiers: MedGen C0003811, MONDO:0007263, HP:0011675.

Submission:

Color Diagnostics, LLC DBA Color Health
Classification: Uncertain significance for Cardiac arrhythmia. Last evaluated: 2025-05-12. Review status: criteria provided, single submitter. Criteria: ACMG Guidelines, 2015. Collection method: clinical testing. Allele origin: germline.
Comment: This missense variant replaces proline with serine at codon 923 of the KCNH2 protein. To our knowledge, functional studies have not been reported for this variant. This variant has not been reported in individuals affected with KCNH2-related disorders in the literature. This variant has not been identified in the general population by the Genome Aggregation Database (gnomAD). The available evidence is insufficient to determine the role of this variant in disease conclusively. Therefore, this variant is classified as a Variant of Uncertain Significance.

NM_000238.4(KCNH2):c.2766_2767delinsTT (p.Pro923Ser)

Gene: KCNH2 (potassium voltage-gated channel subfamily H member 2; minus strand). Cytogenetic location: 7q36.1.
Variant type: Indel.
Coding change: c.2766_2767delinsTT on transcript NM_000238.4 (MANE Select); coding-DNA positions 2766 to 2767, GC replaced by TT.
Protein change: p.Pro923Ser; replaces proline 923 with serine.
Molecular consequence: missense variant.
Genome position (GRCh38, 1-based): chr7:150,947,804-150,947,805, GC replaced by AA on the plus strand (GC replaced by TT on the coding strand, the reverse complement: KCNH2 is on the minus strand). VCF-style: chr7-150947804-GC-AA. GRCh37 (hg19) VCF-style: chr7-150644892-GC-AA.
Other names: c.2478_2479delinsTT, p.Pro827Ser (NM_001406753.1); c.1746_1747delinsTT, p.Pro583Ser (NM_172057.3); short protein forms P583S, P827S, P923S.
Identifiers: ClinVar variation 4756737 (VCV004756737.1).
Genomic context (GRCh38, chr7:150,947,804, plus strand): 5'-CCTCACTGCTCTCAGGGCTGGAGGGGCCACTGGACGGGCTCTCCCCCCACGGCCCCCCCG[GC>AA]CGGCCCCGGCTACTCGGCCCTGCCCCCGCCCGGCCCGGCCCCAAGGCCGACACCTCCCCT-3'
Protein context (NP_000229.1, residues 913-933): AGAGPSSRGR[Pro923Ser]GGPWGESPSS